The following is an entry in ClinVar:

NM_000179.3(MSH6):c.3897C>G (p.Gly1299=)

Gene: MSH6 (mutS homolog 6; plus strand). Cytogenetic location: 2p16.3.
Variant type: single nucleotide variant.
Coding change: c.3897C>G on transcript NM_000179.3 (MANE Select); coding-DNA position 3897, C replaced by G.
Protein change: p.Gly1299=; no amino-acid change (glycine 1299 retained).
Molecular consequence: synonymous variant.
Genome position (GRCh38, 1-based): chr2:47,806,547, C>G. VCF-style: chr2-47806547-C-G. GRCh37 (hg19) VCF-style: chr2-48033686-C-G.
Other names: c.3507C>G, p.Gly1169= (NM_001281492.2); c.2991C>G, p.Gly997= (NM_001281493.2, NM_001281494.2).
Identifiers: ClinVar variation 632904 (VCV000632904.17), dbSNP rs1558393788, ClinGen allele CA426122145.

ClinVar aggregate classification (germline): Benign/Likely benign. Review status: criteria provided, multiple submitters, no conflicts (2 of 4 stars). 6 submissions from 6 submitters: Benign (1); Likely benign (5). Last evaluated 2025-10-13.

Conditions:
Hereditary nonpolyposis colorectal neoplasms. Identifiers: MedGen C0009405, MeSH D003123.
Hereditary cancer-predisposing syndrome. Also called: Tumor predisposition; Neoplastic Syndromes, Hereditary; Hereditary neoplastic syndrome; Hereditary Cancer Syndrome. Identifiers: Orphanet 140162, MedGen C0027672, MeSH D009386, MONDO:0015356.
Lynch syndrome 5 (LYNCH5). Also called: Hereditary non-polyposis colorectal cancer, type 5; Colorectal cancer, hereditary nonpolyposis, type 5. Identifiers: Orphanet 144, MedGen C1833477, MONDO:0013710, OMIM 614350. Disease mechanism: loss of function.
Lynch syndrome. Identifiers: Orphanet 144, MedGen C4552100, MONDO:0005835. Disease mechanism: loss of function.

Allele frequency attached by ClinVar (database versions not stated): gnomAD exomes 0.00001.
gnomAD v4.1: 5 of 1,613,788 alleles (0.00031%); highest among the groups gnomAD compares: Non-Finnish European, 0.00042%; no homozygotes.

Submissions (6):

Labcorp Genetics (formerly Invitae), Labcorp
Classification: Likely benign for Hereditary nonpolyposis colorectal neoplasms. Last evaluated: 2025-10-13. Review status: criteria provided, single submitter. Criteria: Invitae Variant Classification Sherloc (09022015). Collection method: clinical testing. Allele origin: germline.

Myriad Genetics, Inc.
Classification: Benign for Lynch syndrome 5. Last evaluated: 2025-01-08. Review status: criteria provided, single submitter. Criteria: Myriad Autosomal Dominant, Autosomal Recessive and X-Linked Classification Criteria (2023). Collection method: clinical testing. Allele origin: unknown.
Comment: This variant is considered benign. This variant is a silent/synonymous amino acid change and it is not expected to impact splicing.

All of Us Research Program, National Institutes of Health
Classification: Likely benign for Lynch syndrome. Last evaluated: 2023-11-20. Review status: criteria provided, single submitter. Criteria: ACMG Guidelines, 2015. Collection method: clinical testing. Allele origin: germline. Inheritance: Autosomal dominant inheritance. Observed: 1 variant allele, 1 heterozygote.
Comment: This study involves interpretation of variants in research participants for the purpose of population health screening. Participant phenotype was not available at the time of variant classification. Additional details can be found in publication PMID: 35346344, PMCID: PMC8962531

Ambry Genetics
Classification: Likely benign for Hereditary cancer-predisposing syndrome. Last evaluated: 2022-10-06. Review status: criteria provided, single submitter. Criteria: Ambry Variant Classification Scheme 2023. Collection method: clinical testing. Allele origin: germline.

Women's Health and Genetics/Laboratory Corporation of America, LabCorp
Classification: Likely benign. Last evaluated: 2019-08-29. Review status: criteria provided, single submitter. Criteria: LabCorp Variant Classification Summary - May 2015. Collection method: clinical testing. Allele origin: germline.

Color Diagnostics, LLC DBA Color Health
Classification: Likely benign for Hereditary cancer-predisposing syndrome. Last evaluated: 2018-12-04. Review status: criteria provided, single submitter. Criteria: ACMG Guidelines, 2015. Collection method: clinical testing. Allele origin: germline.